The following is an entry in ClinVar:

ClinVar aggregate classification (germline): Uncertain significance (1 of 4 stars; one submission).

Allele frequency attached by ClinVar (database versions not stated): gnomAD exomes below 0.00001 and 0.00001; ExAC 0.00002.
gnomAD v4.1: 3 of 1,614,074 alleles (0.00019%); highest among the groups gnomAD compares: Non-Finnish European, 0.00017%; no homozygotes.

Submission:

Laboratory for Molecular Medicine, Mass General Brigham Personalized Medicine
Classification: Uncertain significance. Last evaluated: 2014-06-19. Review status: criteria provided, single submitter. Criteria: LMM Criteria. Collection method: clinical testing. Allele origin: germline. Observed: 1 variant allele.
Comment: The Pro921Thr variant in LAMA4 has not been previously reported in individuals w ith cardiomyopathy or in large population studies. Computational prediction tool s and conservation analysis suggest that this variant may impact the protein, th ough this information is not predictive enough to determine pathogenicity. In su mmary, the clinical significance of the Pro921Thr variant is uncertain.

NM_001105206.3(LAMA4):c.2782C>A (p.Pro928Thr)

Genes: LAMA4 (laminin subunit alpha 4; minus strand), LOC126859766 (MED14-independent group 3 enhancer GRCh37_chr6:112462018-112463217; plus strand). Cytogenetic location: 6q21.
Variant type: single nucleotide variant.
Coding change: c.2782C>A on transcript NM_001105206.3 (MANE Select); coding-DNA position 2782, C replaced by A.
Protein change: p.Pro928Thr; replaces proline 928 with threonine.
Molecular consequence: missense variant.
Genome position (GRCh38, 1-based): chr6:112,141,389, G>T on the plus strand (C>A on the coding strand, the complement: LAMA4 is on the minus strand). VCF-style: chr6-112141389-G-T. GRCh37 (hg19) VCF-style: chr6-112462591-G-T.
Other names: c.2761C>A, p.Pro921Thr (NM_001105207.3, NM_002290.5); short protein forms P921T, P928T.
Identifiers: ClinVar variation 179789 (VCV000179789.4), dbSNP rs727505130, ClinGen allele CA185136.